The following is an entry in ClinVar:

NM_014633.5(CTR9):c.3512A>T (p.Asp1171Val)

Gene: CTR9 (CTR9 component of Paf1/RNA polymerase II complex; plus strand). Cytogenetic location: 11p15.4.
Variant type: single nucleotide variant.
Coding change: c.3512A>T on transcript NM_014633.5 (MANE Select); coding-DNA position 3512, A replaced by T.
Protein change: p.Asp1171Val; replaces aspartic acid 1171 with valine.
Molecular consequence: missense variant.
Genome position (GRCh38, 1-based): chr11:10,779,095, A>T. VCF-style: chr11-10779095-A-T. GRCh37 (hg19) VCF-style: chr11-10800642-A-T.
Other names: c.3440A>T, p.Asp1147Val (NM_001346279.2); short protein forms D1147V, D1171V.
Identifiers: ClinVar variation 3621777 (VCV003621777.2).

ClinVar aggregate classification (germline): Uncertain significance (1 of 4 stars; one submission).

gnomAD v4.1: 1 of 1,606,614 alleles (0.000062%); highest among the groups gnomAD compares: Non-Finnish European, 0.000085%; no homozygotes.

Submission:

Labcorp Genetics (formerly Invitae), Labcorp
Classification: Uncertain significance. Last evaluated: 2024-04-03. Review status: criteria provided, single submitter. Criteria: Invitae Variant Classification Sherloc (09022015). Collection method: clinical testing. Allele origin: germline.
Comment: This sequence change replaces aspartic acid, which is acidic and polar, with valine, which is neutral and non-polar, at codon 1171 of the CTR9 protein (p.Asp1171Val). This variant is present in population databases (no rsID available, gnomAD 0.007%). This variant has not been reported in the literature in individuals affected with CTR9-related conditions. An algorithm developed to predict the effect of missense changes on protein structure and function (PolyPhen-2) suggests that this variant is likely to be disruptive. Algorithms developed to predict the effect of sequence changes on RNA splicing suggest that this variant may create or strengthen a splice site. In summary, the available evidence is currently insufficient to determine the role of this variant in disease. Therefore, it has been classified as a Variant of Uncertain Significance.